The following is an entry in ClinVar:

ClinVar aggregate classification (germline): Likely pathogenic (1 of 4 stars; one submission).

Conditions:
Autosomal recessive Alport syndrome (ATS2). Also called: ALPORT SYNDROME 2, AUTOSOMAL RECESSIVE; Alport syndrome type 2; COL4A4 Alport Syndrome and Thin Basement Membrane Nephropathy; COL4A3-Related Nephropathy. Identifiers: Orphanet 63, Orphanet 88919, MedGen C4746745, MONDO:0008762, OMIM 203780.

Submission:

Myriad Genetics, Inc.
Classification: Likely pathogenic for Autosomal recessive Alport syndrome. Last evaluated: 2019-02-20. Review status: criteria provided, single submitter. Criteria: Myriad Women's Health Autosomal Recessive and X-Linked Classification Criteria (2019). Collection method: clinical testing. Allele origin: unknown.
Comment: NM_000091.4(COL4A3):c.4515C>A(C1505*) is expected to be pathogenic in the context of COL4A3-related Alport syndrome. This variant is predicted to lead to an abnormal or absent protein product due to the creation of a premature termination codon in COL4A3, a gene where loss-of-function variants are known to be pathogenic. Please note: this variant was assessed in the context of healthy population screening.

NM_000091.5(COL4A3):c.4515C>A (p.Cys1505Ter)

Genes: COL4A3 (collagen type IV alpha 3 chain; plus strand), MFF-DT (MFF divergent transcript; minus strand). Cytogenetic location: 2q36.3.
Variant type: single nucleotide variant.
Coding change: c.4515C>A on transcript NM_000091.5 (MANE Select); coding-DNA position 4515, C replaced by A.
Protein change: p.Cys1505Ter; replaces cysteine 1505 with a stop codon.
Molecular consequence: nonsense.
Genome position (GRCh38, 1-based): chr2:227,308,951, C>A. VCF-style: chr2-227308951-C-A. GRCh37 (hg19) VCF-style: chr2-228173667-C-A.
Other names: short protein forms C1505*.
Identifiers: ClinVar variation 983882 (VCV000983882.3), dbSNP rs2073628823, ClinGen allele CA350864981.